The following is an entry in ClinVar:

ClinVar aggregate classification (germline): Benign/Likely benign. Review status: criteria provided, multiple submitters, no conflicts (2 of 4 stars). 3 submissions from 3 submitters: Benign (1); Likely benign (2). Last evaluated 2026-01-24.

Allele frequency attached by ClinVar (database versions not stated): gnomAD exomes 0.00008 and 0.00021; ExAC 0.00025; 1000 Genomes Project 30x 0.00062; 1000 Genomes Project 0.00080; gnomAD 0.00088 and 0.00096; TOPMed 0.00099; ESP Exome Variant Server 0.00131.
gnomAD v4.1: 251 of 1,612,274 alleles (0.016%); highest among the groups gnomAD compares: African/African-American, 0.3%; no homozygotes.

Submissions (3):

Labcorp Genetics (formerly Invitae), Labcorp
Classification: Benign. Last evaluated: 2026-01-24. Review status: criteria provided, single submitter. Criteria: Invitae Variant Classification Sherloc (09022015). Collection method: clinical testing. Allele origin: germline.

Blueprint Genetics
Classification: Likely benign. Last evaluated: 2024-08-21. Review status: criteria provided, single submitter. Criteria: ACMG Guidelines, 2015. Collection method: clinical testing. Allele origin: germline.

GeneDx
Classification: Likely benign. Last evaluated: 2016-02-08. Review status: criteria provided, single submitter. Criteria: GeneDx Variant Classification (06012015). Collection method: clinical testing. Allele origin: germline. Affected: yes.
Comment: This variant is considered likely benign or benign based on one or more of the following criteria: it is a conservative change, it occurs at a poorly conserved position in the protein, it is predicted to be benign by multiple in silico algorithms, and/or has population frequency not consistent with disease.

NM_001370595.2(COA8):c.385+11T>G

Gene: COA8 (cytochrome c oxidase assembly factor 8; plus strand). Cytogenetic location: 14q32.33.
Variant type: single nucleotide variant.
Coding change: c.385+11T>G on transcript NM_001370595.2 (MANE Select); 11 bases into the intron after coding-DNA position 385, T replaced by G.
Molecular consequence: intron variant.
Genome position (GRCh38, 1-based): chr14:103,574,181, T>G. VCF-style: chr14-103574181-T-G. GRCh37 (hg19) VCF-style: chr14-104040518-T-G.
Other names: c.385+11T>G (NM_001302653.2, NM_001302654.2); c.424+11T>G (NM_032374.4).
Identifiers: ClinVar variation 382401 (VCV000382401.10), dbSNP rs200886784, ClinGen allele CA7365543.